The following is an entry in ClinVar:

NM_004415.4(DSP):c.2547T>A (p.Tyr849Ter)

Gene: DSP (desmoplakin; plus strand). Cytogenetic location: 6p24.3.
Variant type: single nucleotide variant.
Coding change: c.2547T>A on transcript NM_004415.4 (MANE Select); coding-DNA position 2547, T replaced by A.
Protein change: p.Tyr849Ter; replaces tyrosine 849 with a stop codon.
Molecular consequence: nonsense.
Genome position (GRCh38, 1-based): chr6:7,575,405, T>A. VCF-style: chr6-7575405-T-A. GRCh37 (hg19) VCF-style: chr6-7575638-T-A.
Other names: c.2547T>A (LRG_423t1); c.2547T>A, p.Tyr849Ter (NM_001008844.3, NM_001319034.2); short protein forms Y849*.
Identifiers: ClinVar variation 518471 (VCV000518471.5), dbSNP rs1554107624, ClinGen allele CA362681581.
Genomic context (GRCh38, chr6:7,575,405, plus strand): 5'-GACAGAACTACAGAAAGCCCAGCAGATCCACTCTCAGACTTCACAGCAGTATCCACTTTA[T>A]GATCTGGACTTGGGCAAGTTCGGTGAAAAAGTCACACAGCTGACAGACCGCTGGCAAAGG-3'

ClinVar aggregate classification (germline): Pathogenic (1 of 4 stars; one submission).

Conditions:
Cardiovascular phenotype. Identifiers: MedGen CN230736.

Submission:

Ambry Genetics
Classification: Pathogenic for Cardiovascular phenotype. Last evaluated: 2016-10-20. Review status: criteria provided, single submitter. Criteria: Ambry Variant Classification Scheme 2023. Collection method: clinical testing. Allele origin: germline.
Comment: The p.Y849* pathogenic mutation (also known as c.2547T>A), located in coding exon 18 of the DSP gene, results from a T to A substitution at nucleotide position 2547. This changes the amino acid from a tyrosine to a stop codon within coding exon 18. This alteration is expected to result in loss of function by premature protein truncation or nonsense-mediated mRNA decay. As such, this alteration is interpreted as a disease-causing mutation.